The following is an entry in ClinVar:

NM_000540.3(RYR1):c.14244A>C (p.Thr4748=)

Gene: RYR1 (ryanodine receptor 1; plus strand). Cytogenetic location: 19q13.2.
Variant type: single nucleotide variant.
Coding change: c.14244A>C on transcript NM_000540.3 (MANE Select); coding-DNA position 14244, A replaced by C.
Protein change: p.Thr4748=; no amino-acid change (threonine 4748 retained).
Molecular consequence: synonymous variant.
Genome position (GRCh38, 1-based): chr19:38,577,989, A>C. VCF-style: chr19-38577989-A-C. GRCh37 (hg19) VCF-style: chr19-39068629-A-C.
Other names: c.14229A>C, p.Thr4743= (NM_001042723.2).
Identifiers: ClinVar variation 745383 (VCV000745383.10), dbSNP rs1599660141, ClinGen allele CA507245877.

ClinVar aggregate classification (germline): Conflicting classifications of pathogenicity. Review status: criteria provided, conflicting classifications (1 of 4 stars). 2 submissions from 2 submitters: Uncertain significance (1); Likely benign (1). Last evaluated 2025-12-23.

Conditions:
RYR1-related disorder. Also called: RYR1-related disorders; RYR1-related condition. Identifiers: MedGen CN239331.
Malignant hyperthermia, susceptibility to, 1 (MHS1). Also called: RYR1-Related Malignant Hyperthermia Susceptibility; Malignant hyperthermia suceptibility 1; Anesthesia related hyperthermia; Malignant hyperpyrexia; Fulminating hyperpyrexia; Pharmacogenic myopathy. Identifiers: Orphanet 423, MedGen C2930980, MONDO:0007783, OMIM 145600.

Submissions (2):

Labcorp Genetics (formerly Invitae), Labcorp
Classification: Likely benign for RYR1-related disorder. Last evaluated: 2025-12-23. Review status: criteria provided, single submitter. Criteria: Invitae Variant Classification Sherloc (09022015). Collection method: clinical testing. Allele origin: germline.

All of Us Research Program, National Institutes of Health
Classification: Uncertain significance for Malignant hyperthermia, susceptibility to, 1. Last evaluated: 2023-02-24. Review status: criteria provided, single submitter. Criteria: ACMG Guidelines, 2015. Collection method: clinical testing. Allele origin: germline. Inheritance: Autosomal dominant inheritance. Observed: 1 variant allele, 1 heterozygote.
Comment: This variant is located in the RYR1 protein. To our knowledge, functional studies have not been reported for this variant. This variant has not been reported in individuals affected with RYR1-related disorders in the literature. This variant has not been identified in the general population by the Genome Aggregation Database (gnomAD). The available evidence is insufficient to determine the role of this variant in disease conclusively. Therefore, this variant is classified as a Variant of Uncertain Significance.

This study involves interpretation of variants in research participants for the purpose of population health screening. Participant phenotype was not available at the time of variant classification. Additional details can be found in publication PMID: 35346344, PMCID: PMC8962531